The following is an entry in ClinVar:

ClinVar aggregate classification (germline): Likely benign (0 of 4 stars; one submission).

Conditions:
BBS9-related disorder. Also called: BBS9-related condition.

Submission:

PreventionGenetics, part of Exact Sciences
Classification: Likely benign for BBS9-related condition. Last evaluated: 2024-05-25. Review status: no assertion criteria provided. Collection method: clinical testing. Allele origin: germline.
Comment: This variant is classified as likely benign based on ACMG/AMP sequence variant interpretation guidelines (Richards et al. 2015 PMID: 25741868, with internal and published modifications).

NM_198428.3(BBS9):c.1233G>A (p.Leu411=)

Gene: BBS9 (Bardet-Biedl syndrome 9; plus strand). Cytogenetic location: 7p14.3.
Variant type: single nucleotide variant.
Coding change: c.1233G>A on transcript NM_198428.3 (MANE Select); coding-DNA position 1233, G replaced by A.
Protein change: p.Leu411=; no amino-acid change (leucine 411 retained).
Molecular consequence: synonymous variant. On other transcripts: non-coding transcript variant (3).
Genome position (GRCh38, 1-based): chr7:33,340,931, G>A. VCF-style: chr7-33340931-G-A. GRCh37 (hg19) VCF-style: chr7-33380543-G-A.
Other names: c.1233G>A, p.Leu411= (NM_001033604.2, NM_001033605.2, NM_001348036.1 and 5 more transcripts); c.867G>A, p.Leu289= (NM_001348037.3, NM_001348044.3, NM_001348045.3 and 1 more transcripts); c.960G>A, p.Leu320= (NM_001348038.3, NM_001348039.3); c.1098G>A, p.Leu366= (NM_001348042.3).
Identifiers: ClinVar variation 3347030 (VCV003347030.1).